The following is an entry in ClinVar:

ClinVar aggregate classification (germline): Uncertain significance (1 of 4 stars; one submission).

Allele frequency attached by ClinVar (database versions not stated): TOPMed 0.00001.
gnomAD v4.1: 3 of 1,614,060 alleles (0.00019%); highest among the groups gnomAD compares: Non-Finnish European, 0.00025%; no homozygotes.

Submission:

Labcorp Genetics (formerly Invitae), Labcorp
Classification: Uncertain significance. Last evaluated: 2025-03-05. Review status: criteria provided, single submitter. Criteria: Invitae Variant Classification Sherloc (09022015). Collection method: clinical testing. Allele origin: germline.
Comment: This sequence change replaces histidine, which is basic and polar, with arginine, which is basic and polar, at codon 1856 of the HSPG2 protein (p.His1856Arg). This variant is not present in population databases (gnomAD no frequency). This variant has not been reported in the literature in individuals affected with HSPG2-related conditions. ClinVar contains an entry for this variant (Variation ID: 1975851). An algorithm developed to predict the effect of missense changes on protein structure and function (PolyPhen-2) suggests that this variant is likely to be disruptive. In summary, the available evidence is currently insufficient to determine the role of this variant in disease. Therefore, it has been classified as a Variant of Uncertain Significance.

NM_005529.7(HSPG2):c.5567A>G (p.His1856Arg)

Gene: HSPG2 (heparan sulfate proteoglycan 2; minus strand). Cytogenetic location: 1p36.12.
Variant type: single nucleotide variant.
Coding change: c.5567A>G on transcript NM_005529.7 (MANE Select); coding-DNA position 5567, A replaced by G.
Protein change: p.His1856Arg; replaces histidine 1856 with arginine.
Molecular consequence: missense variant.
Genome position (GRCh38, 1-based): chr1:21,857,023, T>C on the plus strand (A>G on the coding strand, the complement: HSPG2 is on the minus strand). VCF-style: chr1-21857023-T-C. GRCh37 (hg19) VCF-style: chr1-22183516-T-C.
Other names: c.5570A>G, p.His1857Arg (NM_001291860.2); short protein forms H1856R, H1857R.
Identifiers: ClinVar variation 1975851 (VCV001975851.5), dbSNP rs759789250, ClinGen allele CA19127140.